The following is an entry in ClinVar:

ClinVar aggregate classification (germline): Likely benign. Review status: criteria provided, multiple submitters, no conflicts (2 of 4 stars). 2 submissions from 2 submitters: Likely benign (2). Last evaluated 2024-07-29.

Conditions:
Familial cancer of breast. Also called: Hereditary breast cancer; BREAST CANCER, FAMILIAL; hereditary breast carcinoma. Identifiers: Orphanet 227535, MedGen C0346153, MONDO:0016419, OMIM 114480. Disease mechanism: loss of function.

Allele frequency attached by ClinVar (database versions not stated): gnomAD exomes below 0.00001.
gnomAD v4.1: 1 of 1,595,154 alleles (0.000063%); highest among the groups gnomAD compares: Non-Finnish European, 0.000086%; no homozygotes.

Submissions (2):

Labcorp Genetics (formerly Invitae), Labcorp
Classification: Likely benign for Familial cancer of breast. Last evaluated: 2024-07-29. Review status: criteria provided, single submitter. Criteria: Invitae Variant Classification Sherloc (09022015). Collection method: clinical testing. Allele origin: germline.

Myriad Genetics, Inc.
Classification: Likely benign for Familial cancer of breast. Last evaluated: 2024-07-26. Review status: criteria provided, single submitter. Criteria: Myriad Autosomal Dominant, Autosomal Recessive and X-Linked Classification Criteria (2023). Collection method: clinical testing. Allele origin: unknown.
Comment: This variant is considered likely benign. This variant is intronic and is not expected to impact mRNA splicing.

NM_000465.4(BARD1):c.1677+7A>G

Gene: BARD1 (BRCA1 associated RING domain 1; minus strand). Cytogenetic location: 2q35.
Variant type: single nucleotide variant.
Coding change: c.1677+7A>G on transcript NM_000465.4 (MANE Select); 7 bases into the intron after coding-DNA position 1677, A replaced by G.
Molecular consequence: intron variant.
Genome position (GRCh38, 1-based): chr2:214,752,440, T>C on the plus strand (A>G on the coding strand, the complement: BARD1 is on the minus strand). VCF-style: chr2-214752440-T-C. GRCh37 (hg19) VCF-style: chr2-215617164-T-C.
Other names: c.267+7A>G (NM_001282548.2); c.1620+7A>G (NM_001282543.2); c.324+7A>G (NM_001282545.2); c.365-21932A>G (NM_001282549.2).
Identifiers: ClinVar variation 2783246 (VCV002783246.4), dbSNP rs2469377236, ClinGen allele CA2662970717.
Genomic context (GRCh38, chr2:214,752,440, plus strand): 5'-ATTATGTTCCTTTCATAACCAATTTTAATAAAATATATAAATGTCCCAAAGCTAAATCCA[T>C]ACTTACTACTGAGCAGTGGCTAGCTGAGGATGATTCATTCTTCTCTGGTAGCAGCAATAG-3'